The following is an entry in ClinVar:

ClinVar aggregate classification (germline): Uncertain significance. Review status: no assertion criteria provided (0 of 4 stars). 2 submissions from 2 submitters: Uncertain significance (2). Last evaluated 2023-12-20.

Conditions:
FREM1-related disorder. Also called: FREM1-Related Disorders; FREM1-related condition.

Allele frequency attached by ClinVar (database versions not stated): gnomAD 0.00001; gnomAD exomes 0.00005.
gnomAD v4.1: 80 of 1,613,058 alleles (0.005%); highest among the groups gnomAD compares: Non-Finnish European, 0.0067%; no homozygotes.

Submissions (2):

PreventionGenetics, part of Exact Sciences
Classification: Uncertain significance for FREM1-related condition. Last evaluated: 2023-12-20. Review status: no assertion criteria provided. Collection method: clinical testing. Allele origin: germline.
Comment: The FREM1 c.6037T>A variant is predicted to result in the amino acid substitution p.Cys2013Ser. To our knowledge, this variant has not been reported in the literature or in a large population database, indicating this variant is rare. At this time, the clinical significance of this variant is uncertain due to the absence of conclusive functional and genetic evidence.

Department of Pathology and Laboratory Medicine, Sinai Health System
Classification: Uncertain significance. Review status: no assertion criteria provided. Collection method: clinical testing. Allele origin: unknown. Affected: yes. Study: The Canadian Open Genetics Repository (COGR).
Comment: The FREM1 p.Cys549Ser variant was not identified in the literature nor was it identified in ClinVar or LOVD 3.0. The variant was identified in dbSNP (ID: rs1420458990) but was not identified in the following control databases: the 1000 Genomes Project, the NHLBI GO Exome Sequencing Project, the Exome Aggregation Consortium (August 8th 2016), or the Genome Aggregation Database (March 6, 2019, v2.1.1). The p.Cys549 residue is conserved across mammals and other organisms, and four out of five computational analyses (PolyPhen-2, SIFT, AlignGVGD, BLOSUM, MutationTaster) suggest that the variant may impact the protein; however, this information is not predictive enough to assume pathogenicity. The variant occurs outside of the splicing consensus sequence and in silico or computational prediction software programs (SpliceSiteFinder, MaxEntScan, NNSPLICE, GeneSplicer) do not predict a difference in splicing. In summary, based on the above information the clinical significance of this variant cannot be determined with certainty at this time. This variant is classified as a variant of uncertain significance.

NM_001379081.2(FREM1):c.6037T>A (p.Cys2013Ser)

Gene: FREM1 (FRAS1 related extracellular matrix 1; minus strand). Cytogenetic location: 9p22.3.
Variant type: single nucleotide variant.
Coding change: c.6037T>A on transcript NM_001379081.2 (MANE Select); coding-DNA position 6037, T replaced by A.
Protein change: p.Cys2013Ser; replaces cysteine 2013 with serine.
Molecular consequence: missense variant. On other transcripts: non-coding transcript variant (3).
Genome position (GRCh38, 1-based): chr9:14,747,024, A>T on the plus strand (T>A on the coding strand, the complement: FREM1 is on the minus strand). VCF-style: chr9-14747024-A-T. GRCh37 (hg19) VCF-style: chr9-14747022-A-T.
Other names: c.1645T>A, p.Cys549Ser (NM_001177704.3, NM_001370061.2); c.1495T>A, p.Cys499Ser (NM_001370058.2); c.6037T>A, p.Cys2013Ser (NM_144966.7); c.6037T>A (NM_144966.5); short protein forms C2013S, C499S, C549S.
Identifiers: ClinVar variation 1049021 (VCV001049021.3), dbSNP rs1420458990, ClinGen allele CA372954508.